The following is an entry in ClinVar:

NM_001145664.2(RFX8):c.246C>T (p.Asp82=)

Gene: RFX8 (regulatory factor X8; minus strand). Cytogenetic location: 2q11.2.
Variant type: single nucleotide variant.
Coding change: c.246C>T on transcript NM_001145664.2 (MANE Select); coding-DNA position 246, C replaced by T.
Protein change: p.Asp82=; no amino-acid change (aspartic acid 82 retained).
Molecular consequence: synonymous variant. On other transcripts: 5 prime UTR variant (3).
Genome position (GRCh38, 1-based): chr2:101,418,956, G>A on the plus strand (C>T on the coding strand, the complement: RFX8 is on the minus strand). VCF-style: chr2-101418956-G-A. GRCh37 (hg19) VCF-style: chr2-102035418-G-A.
Other names: c.-209C>T (NM_001367508.1, NM_001367509.1, NM_001367510.1).
Identifiers: ClinVar variation 2651209 (VCV002651209.24), dbSNP rs1008197422, ClinGen allele CA53231650.

ClinVar aggregate classification (germline): Likely benign (1 of 4 stars; one submission).

Allele frequency attached by ClinVar (database versions not stated): gnomAD 0.00001; gnomAD exomes 0.00001; TOPMed 0.00001.
gnomAD v4.1: 12 of 1,541,836 alleles (0.00078%); highest among the groups gnomAD compares: African/African-American, 0.0014%; no homozygotes.

Submission:

CeGaT Center for Human Genetics Tuebingen
Classification: Likely benign. Last evaluated: 2022-08-01. Review status: criteria provided, single submitter. Criteria: CeGaT Center For Human Genetics Tuebingen Variant Classification Criteria Version 2. Collection method: clinical testing. Allele origin: germline. Affected: yes. Observed: 1 variant allele.
Comment: RFX8: BP4, BP7